The following is an entry in ClinVar:

NM_004006.3(DMD):c.985T>C (p.Ser329Pro)

Gene: DMD (dystrophin; minus strand). Cytogenetic location: Xp21.1.
Variant type: single nucleotide variant.
Coding change: c.985T>C on transcript NM_004006.3 (MANE Select); coding-DNA position 985, T replaced by C.
Protein change: p.Ser329Pro; replaces serine 329 with proline.
Molecular consequence: missense variant.
Genome position (GRCh38, 1-based): chrX:32,645,128, A>G on the plus strand (T>C on the coding strand, the complement: DMD is on the minus strand). VCF-style: chrX-32645128-A-G. GRCh37 (hg19) VCF-style: chrX-32663245-A-G.
Other names: c.961T>C, p.Ser321Pro (NM_000109.4); c.973T>C, p.Ser325Pro (NM_004009.3); c.616T>C, p.Ser206Pro (NM_004010.3); short protein forms S329P, S206P, S321P, S325P.
Identifiers: ClinVar variation 853423 (VCV000853423.8), dbSNP rs756590471, ClinGen allele CA412662352.

ClinVar aggregate classification (germline): Uncertain significance. Review status: criteria provided, single submitter (1 of 4 stars). 2 submissions from 2 submitters: Uncertain significance (1). 1 of the submissions does not count toward it. Last evaluated 2021-08-27.

Conditions:
Duchenne muscular dystrophy (DMD). Also called: Duchenne Muscular Dystrophy (DMD); MUSCULAR DYSTROPHY, PSEUDOHYPERTROPHIC PROGRESSIVE, DUCHENNE TYPE. Identifiers: Orphanet 98896, MedGen C0013264, MONDO:0010679, OMIM 310200.
Dystrophin deficiency.
Becker muscular dystrophy (BMD). Also called: MUSCULAR DYSTROPHY, PSEUDOHYPERTROPHIC PROGRESSIVE, BECKER TYPE; Becker Muscular Dystrophy (BMD). Identifiers: Orphanet 98895, MedGen C0917713, MONDO:0010311, OMIM 300376.
Cardiomyopathy (CMYO). Also called: Cardiomyopathies. Identifiers: Orphanet 167848, MedGen C0878544, MONDO:0004994, HP:0001638. Inheritance: Various modes of inheritance.

gnomAD v4.1: 11 of 1,211,496 alleles (0.00091%); highest among the groups gnomAD compares: Non-Finnish European, 0.0012%; no homozygotes.

Submissions (2):

Labcorp Genetics (formerly Invitae), Labcorp
Classification: Uncertain significance for Duchenne muscular dystrophy. Last evaluated: 2021-08-27. Review status: criteria provided, single submitter. Criteria: Invitae Variant Classification Sherloc (09022015). Collection method: clinical testing. Allele origin: germline.
Comment: This sequence change replaces serine with proline at codon 329 of the DMD protein (p.Ser329Pro). The serine residue is moderately conserved and there is a moderate physicochemical difference between serine and proline. This variant is not present in population databases (ExAC no frequency). This variant has not been reported in the literature in individuals affected with DMD-related conditions. Algorithms developed to predict the effect of missense changes on protein structure and function output the following: SIFT: "Tolerated"; PolyPhen-2: "Benign"; Align-GVGD: "Class C0". The proline amino acid residue is found in multiple mammalian species, which suggests that this missense change does not adversely affect protein function. In summary, the available evidence is currently insufficient to determine the role of this variant in disease. Therefore, it has been classified as a Variant of Uncertain Significance.

Natera, Inc.
Classification: Uncertain significance for Becker muscular dystrophy; Cardiomyopathy; Duchenne muscular dystrophy; Dystrophin deficiency. Last evaluated: 2021-04-16. Review status: no assertion criteria provided. Collection method: clinical testing. Allele origin: germline. Not counted in ClinVar's aggregate classification.